The following is an entry in ClinVar:

NM_006329.4(FBLN5):c.265T>C (p.Ser89Pro)

Gene: FBLN5 (fibulin 5; minus strand). Cytogenetic location: 14q32.12.
Variant type: single nucleotide variant.
Coding change: c.265T>C on transcript NM_006329.4 (MANE Select); coding-DNA position 265, T replaced by C.
Protein change: p.Ser89Pro; replaces serine 89 with proline.
Molecular consequence: missense variant.
Genome position (GRCh38, 1-based): chr14:91,937,061, A>G on the plus strand (T>C on the coding strand, the complement: FBLN5 is on the minus strand). VCF-style: chr14-91937061-A-G. GRCh37 (hg19) VCF-style: chr14-92403405-A-G.
Other names: c.388T>C, p.Ser130Pro (NM_001384158.1); c.316T>C, p.Ser106Pro (NM_001384159.1); c.265T>C, p.Ser89Pro (NM_001384160.1); c.97T>C, p.Ser33Pro (NM_001384161.1, NM_001384162.1); short protein forms S33P, S89P, S130P, S106P.
Identifiers: ClinVar variation 1936259 (VCV001936259.5), dbSNP rs896665070, ClinGen allele CA265607619.

ClinVar aggregate classification (germline): Uncertain significance (1 of 4 stars; one submission).

Allele frequency attached by ClinVar (database versions not stated): TOPMed below 0.00001; gnomAD exomes 0.00001.
gnomAD v4.1: 12 of 1,613,810 alleles (0.00074%); highest among the groups gnomAD compares: Non-Finnish European, 0.001%; no homozygotes.

Submission:

Labcorp Genetics (formerly Invitae), Labcorp
Classification: Uncertain significance. Last evaluated: 2026-02-01. Review status: criteria provided, single submitter. Criteria: Invitae Variant Classification Sherloc (09022015). Collection method: clinical testing. Allele origin: germline.
Comment: This sequence change replaces serine, which is neutral and polar, with proline, which is neutral and non-polar, at codon 89 of the FBLN5 protein (p.Ser89Pro). This variant is not present in population databases (gnomAD no frequency). This variant has not been reported in the literature in individuals affected with FBLN5-related conditions. ClinVar contains an entry for this variant (Variation ID: 1936259). An algorithm developed to predict the effect of missense changes on protein structure and function (PolyPhen-2) suggests that this variant is likely to be tolerated. In summary, the available evidence is currently insufficient to determine the role of this variant in disease. Therefore, it has been classified as a Variant of Uncertain Significance.